The following is an entry in ClinVar:

NM_018943.3(TUBA8):c.979G>C (p.Asp327His)

Gene: TUBA8 (tubulin alpha 8; plus strand). Cytogenetic location: 22q11.21.
Variant type: single nucleotide variant.
Coding change: c.979G>C on transcript NM_018943.3 (MANE Select); coding-DNA position 979, G replaced by C.
Protein change: p.Asp327His; replaces aspartic acid 327 with histidine.
Molecular consequence: missense variant.
Genome position (GRCh38, 1-based): chr22:18,126,957, G>C. VCF-style: chr22-18126957-G-C. GRCh37 (hg19) VCF-style: chr22-18609724-G-C.
Other names: c.781G>C, p.Asp261His (NM_001193414.2); short protein forms D261H, D327H.
Identifiers: ClinVar variation 1969926 (VCV001969926.5), dbSNP rs923949419, ClinGen allele CA321284627.

ClinVar aggregate classification (germline): Uncertain significance (1 of 4 stars; one submission).

Allele frequency attached by ClinVar (database versions not stated): gnomAD exomes below 0.00001.
gnomAD v4.1: 1 of 1,613,640 alleles (0.000062%); highest among the groups gnomAD compares: Admixed American, 0.0017%; no homozygotes.

Submission:

Labcorp Genetics (formerly Invitae), Labcorp
Classification: Uncertain significance. Last evaluated: 2025-03-07. Review status: criteria provided, single submitter. Criteria: Invitae Variant Classification Sherloc (09022015). Collection method: clinical testing. Allele origin: germline.
Comment: This sequence change replaces aspartic acid, which is acidic and polar, with histidine, which is basic and polar, at codon 327 of the TUBA8 protein (p.Asp327His). This variant is present in population databases (no rsID available, gnomAD 0.003%). This variant has not been reported in the literature in individuals affected with TUBA8-related conditions. ClinVar contains an entry for this variant (Variation ID: 1969926). Invitae Evidence Modeling of protein sequence and biophysical properties (such as structural, functional, and spatial information, amino acid conservation, physicochemical variation, residue mobility, and thermodynamic stability) indicates that this missense variant is expected to disrupt TUBA8 protein function with a positive predictive value of 80%. In summary, the available evidence is currently insufficient to determine the role of this variant in disease. Therefore, it has been classified as a Variant of Uncertain Significance.